The following is an entry in ClinVar:

ClinVar aggregate classification (germline): Uncertain significance (1 of 4 stars; one submission).

Conditions:
GREB1L-related disorder. Also called: GREB1L-related condition.

Submission:

PreventionGenetics, part of Exact Sciences
Classification: Uncertain significance for GREB1L-related condition. Last evaluated: 2022-09-06. Review status: criteria provided, single submitter. Criteria: ACMG Guidelines, 2015. Collection method: clinical testing. Allele origin: germline.
Comment: The GREB1L c.2945T>C variant is predicted to result in the amino acid substitution p.Leu982Pro. To our knowledge, this variant has not been reported in the literature or in a large population database, indicating this variant is rare. At this time, the clinical significance of this variant is uncertain due to the absence of conclusive functional and genetic evidence.

NM_001142966.3(GREB1L):c.2945T>C (p.Leu982Pro)

Gene: GREB1L (GREB1 like retinoic acid receptor coactivator; plus strand). Cytogenetic location: 18q11.1.
Variant type: single nucleotide variant.
Coding change: c.2945T>C on transcript NM_001142966.3 (MANE Select); coding-DNA position 2945, T replaced by C.
Protein change: p.Leu982Pro; replaces leucine 982 with proline.
Molecular consequence: missense variant.
Genome position (GRCh38, 1-based): chr18:21,490,266, T>C. VCF-style: chr18-21490266-T-C. GRCh37 (hg19) VCF-style: chr18-19070227-T-C.
Other names: c.3074T>C, p.Leu1025Pro (NM_001410867.1); c.2618T>C, p.Leu873Pro (NM_001410868.1); short protein forms L1025P, L873P, L982P.
Identifiers: ClinVar variation 2636289 (VCV002636289.1), dbSNP rs2511782426, ClinGen allele CA401745378.